The following is an entry in ClinVar:

ClinVar aggregate classification (germline): Uncertain significance (1 of 4 stars; one submission).

Submission:

Labcorp Genetics (formerly Invitae), Labcorp
Classification: Uncertain significance. Last evaluated: 2022-06-28. Review status: criteria provided, single submitter. Criteria: Invitae Variant Classification Sherloc (09022015). Collection method: clinical testing. Allele origin: germline.
Comment: This variant, c.4266_4268dup, results in the insertion of 1 amino acid(s) of the C2CD3 protein (p.Leu1423dup), but otherwise preserves the integrity of the reading frame. This variant is present in population databases (no rsID available, gnomAD 0.003%). This variant has not been reported in the literature in individuals affected with C2CD3-related conditions. In summary, the available evidence is currently insufficient to determine the role of this variant in disease. Therefore, it has been classified as a Variant of Uncertain Significance.

NM_001286577.2(C2CD3):c.4263GCT[3] (p.Leu1423_Ala1424insLeu)

Gene: C2CD3 (C2 domain containing 3 centriole elongation regulator; minus strand). Cytogenetic location: 11q13.4.
Variant type: Microsatellite.
Coding change: c.4263GCT[3] on transcript NM_001286577.2 (MANE Select); three copies in a row of the 3-base unit GCT starting at c.4263; the reference has two copies in a row; one copy, 3 bases duplicated.
Protein change: p.Leu1423_Ala1424insLeu.
Molecular consequence: inframe insertion.
Genome position (GRCh38, 1-based): chr11:74,078,450-74,078,452, AGC duplicated on the plus strand (GCT on the coding strand, the reverse complement: C2CD3 is on the minus strand); duplicating any 3 consecutive bases within chr11:74,078,450-74,078,456 gives the same sequence; the position shown is the placement nearest the transcript's 3' end. VCF-style (leftmost placement, unchanged base first): chr11-74078449-A-AAGC. GRCh37 (hg19) VCF-style: chr11-73789494-A-AAGC.
Other names: c.4263GCT[3], p.Leu1423_Ala1424insLeu (NM_015531.6).
Identifiers: ClinVar variation 2011652 (VCV002011652.1), dbSNP rs1239289498, ClinGen allele CA600245197.
Genomic context (GRCh38, chr11:74,078,449, plus strand): 5'-ATCATAGAACTTGTAGCGAAGGTAGCAATATGTATTCTTATGAATGTGGTTGTGGCCAGC[A>AAGC]AGCAGCACACAATGGATGGGCAGCCACAGCCTTGGGGTGGAGATGGTGACAGTGGCTGGC-3'